The following is an entry in ClinVar:

ClinVar aggregate classification (germline): Uncertain significance (1 of 4 stars; one submission).

Submission:

Labcorp Genetics (formerly Invitae), Labcorp
Classification: Uncertain significance. Last evaluated: 2024-02-06. Review status: criteria provided, single submitter. Criteria: Invitae Variant Classification Sherloc (09022015). Collection method: clinical testing. Allele origin: germline.
Comment: This sequence change replaces cysteine, which is neutral and slightly polar, with tyrosine, which is neutral and polar, at codon 377 of the TRMU protein (p.Cys377Tyr). This variant is present in population databases (rs772318037, gnomAD 0.006%). This variant has not been reported in the literature in individuals affected with TRMU-related conditions. Advanced modeling of protein sequence and biophysical properties (such as structural, functional, and spatial information, amino acid conservation, physicochemical variation, residue mobility, and thermodynamic stability) performed at Invitae indicates that this missense variant is expected to disrupt TRMU protein function with a positive predictive value of 80%. In summary, the available evidence is currently insufficient to determine the role of this variant in disease. Therefore, it has been classified as a Variant of Uncertain Significance.

NM_018006.5(TRMU):c.1130G>A (p.Cys377Tyr)

Gene: TRMU (tRNA mitochondrial 2-thiouridylase; plus strand). Cytogenetic location: 22q13.31.
Variant type: single nucleotide variant.
Coding change: c.1130G>A on transcript NM_018006.5 (MANE Select); coding-DNA position 1130, G replaced by A.
Protein change: p.Cys377Tyr; replaces cysteine 377 with tyrosine.
Molecular consequence: missense variant. On other transcripts: synonymous variant (2), non-coding transcript variant (2).
Genome position (GRCh38, 1-based): chr22:46,356,870, G>A. VCF-style: chr22-46356870-G-A. GRCh37 (hg19) VCF-style: chr22-46752767-G-A.
Other names: c.788G>A, p.Cys263Tyr (NM_001282782.2); c.710G>A, p.Cys237Tyr (NM_001282783.2); c.627G>A, p.Val209= (NM_001282784.2); c.1047G>A, p.Val349= (NM_001282785.2); short protein forms C237Y, C263Y, C377Y.
Identifiers: ClinVar variation 3613855 (VCV003613855.2).